The following is an entry in ClinVar:

NM_000051.4(ATM):c.1824_1825delinsTT (p.Glu609Ter)

Gene: ATM (ATM serine/threonine kinase; plus strand). Cytogenetic location: 11q22.3.
Variant type: Indel.
Coding change: c.1824_1825delinsTT on transcript NM_000051.4 (MANE Select); coding-DNA positions 1824 to 1825, GG replaced by TT.
Protein change: p.Glu609Ter; replaces glutamic acid 609 with a stop codon.
Molecular consequence: nonsense.
Genome position (GRCh38, 1-based): chr11:108,252,838-108,252,839, GG replaced by TT. VCF-style: chr11-108252838-GG-TT. GRCh37 (hg19) VCF-style: chr11-108123565-GG-TT.
Other names: c.1824_1825delinsTT, p.Glu609Ter (NM_001351834.2); short protein forms E609*.
Identifiers: ClinVar variation 4617034 (VCV004617034.1).

ClinVar aggregate classification (germline): Pathogenic (1 of 4 stars; one submission).

Conditions:
Hereditary cancer-predisposing syndrome. Also called: Neoplastic Syndromes, Hereditary; Tumor predisposition; Hereditary Cancer Syndrome; Hereditary neoplastic syndrome. Identifiers: Orphanet 140162, MedGen C0027672, MeSH D009386, MONDO:0015356.

Submission:

Ambry Genetics
Classification: Pathogenic for Hereditary cancer-predisposing syndrome. Last evaluated: 2025-09-15. Review status: criteria provided, single submitter. Criteria: Ambry Variant Classification Scheme 2023. Collection method: clinical testing. Allele origin: germline.
Comment: The c.1824_1825delGGinsTT pathogenic mutation, located in coding exon 11 of the ATM gene, results from an in-frame deletion of GG and insertion of TT at nucleotide positions 1824 to 1825. This results in the insertion of an extra glutamic acid residue at codon 609. This variant is considered to be rare based on population cohorts in the Genome Aggregation Database (gnomAD). This alteration is expected to result in loss of function by premature protein truncation or nonsense-mediated mRNA decay. Based on the supporting evidence, this variant is interpreted as a disease-causing mutation.